The following is an entry in ClinVar:

ClinVar aggregate classification (germline): Likely pathogenic (1 of 4 stars; one submission).

Conditions:
Autosomal recessive polycystic kidney disease (ARPKD). Also called: AR polycystic kidney disease. Identifiers: Orphanet 731, Orphanet 8378, MedGen C0085548, MeSH D017044, MONDO:0009889.

Submission:

Natera, Inc.
Classification: Likely pathogenic for Autosomal recessive polycystic kidney disease. Last evaluated: 2024-05-08. Review status: criteria provided, single submitter. Criteria: Natera Variant Classification Schema (03/2026). Collection method: clinical testing. Allele origin: germline.
Comment: The c.2847C>A variant in PKHD1 is a nonsense variant predicted to introduce a stop codon at amino acid 949. This variant is expected to result in nonsense mediated decay, truncation, or a dysfunctional protein product. This variant is rare in the general population with a frequency below the threshold expected for the associated phenotype(s). Given the available evidence, this variant is classified as Likely Pathogenic.

NM_138694.4(PKHD1):c.2847C>A (p.Tyr949Ter)

Gene: PKHD1 (PKHD1 ciliary IPT domain containing fibrocystin/polyductin; minus strand). Cytogenetic location: 6p12.2.
Variant type: single nucleotide variant.
Coding change: c.2847C>A on transcript NM_138694.4 (MANE Select); coding-DNA position 2847, C replaced by A.
Protein change: p.Tyr949Ter; replaces tyrosine 949 with a stop codon.
Molecular consequence: nonsense.
Genome position (GRCh38, 1-based): chr6:52,043,109, G>T on the plus strand (C>A on the coding strand, the complement: PKHD1 is on the minus strand). VCF-style: chr6-52043109-G-T. GRCh37 (hg19) VCF-style: chr6-51907907-G-T.
Other names: c.2847C>A, p.Tyr949Ter (NM_170724.3); short protein forms Y949*.
Identifiers: ClinVar variation 4816622 (VCV004816622.1).